The following is an entry in ClinVar:

ClinVar aggregate classification (germline): Uncertain significance (1 of 4 stars; one submission).

gnomAD v4.1: 4 of 1,602,402 alleles (0.00025%); highest among the groups gnomAD compares: Non-Finnish European, 0.00034%; no homozygotes.

Submission:

Women's Health and Genetics/Laboratory Corporation of America, LabCorp
Classification: Uncertain significance. Last evaluated: 2025-12-30. Review status: criteria provided, single submitter. Criteria: LabCorp Variant Classification Summary - May 2015. Collection method: clinical testing. Allele origin: germline.
Comment: Variant summary: ALPL c.1510G>A (p.Gly504Ser) results in a non-conservative amino acid change in the encoded protein sequence. Algorithms developed to predict the effect of missense changes on protein structure and function are either unavailable or do not agree on the potential impact of this missense change. The frequency data for this variant in gnomAD is considered unreliable, as metrics indicate poor data quality at this position. To our knowledge, no occurrence of c.1510G>A in individuals affected with ALPL-related conditions and no experimental evidence demonstrating its impact on protein function have been reported. No submitters have cited clinical-significance assessments for this variant to ClinVar. Based on the evidence outlined above, the variant was classified as uncertain significance.

NM_000478.6(ALPL):c.1510G>A (p.Gly504Ser)

Gene: ALPL (alkaline phosphatase, biomineralization associated; plus strand). Cytogenetic location: 1p36.12.
Variant type: single nucleotide variant.
Coding change: c.1510G>A on transcript NM_000478.6 (MANE Select); coding-DNA position 1510, G replaced by A.
Protein change: p.Gly504Ser; replaces glycine 504 with serine.
Molecular consequence: missense variant.
Genome position (GRCh38, 1-based): chr1:21,577,583, G>A. VCF-style: chr1-21577583-G-A. GRCh37 (hg19) VCF-style: chr1-21904076-G-A.
Other names: c.1345G>A, p.Gly449Ser (NM_001127501.4); c.1279G>A, p.Gly427Ser (NM_001177520.3); c.1510G>A, p.Gly504Ser (NM_001369803.2, NM_001369804.2, NM_001369805.2); short protein forms G427S, G449S, G504S.
Identifiers: ClinVar variation 4688567 (VCV004688567.1).